The following is an entry in ClinVar:

NM_001844.5(COL2A1):c.3490-19C>A

Gene: COL2A1 (collagen type II alpha 1 chain; minus strand). Cytogenetic location: 12q13.11.
Variant type: single nucleotide variant.
Coding change: c.3490-19C>A on transcript NM_001844.5 (MANE Select); 19 bases into the intron before coding-DNA position 3490, C replaced by A.
Molecular consequence: intron variant.
Genome position (GRCh38, 1-based): chr12:47,976,089, G>T on the plus strand (C>A on the coding strand, the complement: COL2A1 is on the minus strand). VCF-style: chr12-47976089-G-T. GRCh37 (hg19) VCF-style: chr12-48369872-G-T.
Other names: c.3283-19C>A (NM_033150.3).
Identifiers: ClinVar variation 511949 (VCV000511949.11), dbSNP rs200223738, ClinGen allele CA6534726.

ClinVar aggregate classification (germline): Likely benign. Review status: criteria provided, multiple submitters, no conflicts (2 of 4 stars). 4 submissions from 4 submitters: Likely benign (4). Last evaluated 2026-01-19.

Conditions:
Connective tissue disorder. Also called: Connective tissue disease. Identifiers: MedGen C0009782, MONDO:0003900.

Allele frequency attached by ClinVar (database versions not stated): 1000 Genomes Project 0.00020; TOPMed 0.00022; 1000 Genomes Project 30x 0.00031; ESP Exome Variant Server 0.00031.
gnomAD v4.1: 509 of 1,578,320 alleles (0.032%); highest among the groups gnomAD compares: Non-Finnish European, 0.042%; no homozygotes.

Submissions (4):

Labcorp Genetics (formerly Invitae), Labcorp
Classification: Likely benign. Last evaluated: 2026-01-19. Review status: criteria provided, single submitter. Criteria: Invitae Variant Classification Sherloc (09022015). Collection method: clinical testing. Allele origin: germline.

Blueprint Genetics
Classification: Likely benign. Last evaluated: 2024-10-10. Review status: criteria provided, single submitter. Criteria: ACMG Guidelines, 2015. Collection method: clinical testing. Allele origin: germline.

GeneDx
Classification: Likely benign. Last evaluated: 2017-09-08. Review status: criteria provided, single submitter. Criteria: GeneDx Variant Classification (06012015). Collection method: clinical testing. Allele origin: germline. Affected: yes.
Comment: This variant is considered likely benign or benign based on one or more of the following criteria: it is a conservative change, it occurs at a poorly conserved position in the protein, it is predicted to be benign by multiple in silico algorithms, and/or has population frequency not consistent with disease.

Center for Human Genetics, Inc
Classification: Likely benign for Connective tissue disorder. Last evaluated: 2016-11-01. Review status: criteria provided, single submitter. Criteria: ACMG Guidelines, 2015. Collection method: clinical testing. Allele origin: germline. Affected: yes.